The following is an entry in ClinVar:

NM_001206927.2(DNAH8):c.11331T>A (p.Thr3777=)

Genes: DNAH8 (dynein axonemal heavy chain 8; plus strand), DNAH8-AS1 (DNAH8 antisense RNA 1; minus strand). Cytogenetic location: 6p21.2.
Variant type: single nucleotide variant.
Coding change: c.11331T>A on transcript NM_001206927.2 (MANE Select); coding-DNA position 11331, T replaced by A.
Protein change: p.Thr3777=; no amino-acid change (threonine 3777 retained).
Molecular consequence: synonymous variant.
Genome position (GRCh38, 1-based): chr6:38,931,867, T>A. VCF-style: chr6-38931867-T-A. GRCh37 (hg19) VCF-style: chr6-38899643-T-A.
Other names: c.10680T>A, p.Thr3560= (NM_001371.4).
Identifiers: ClinVar variation 414412 (VCV000414412.13), dbSNP rs75954496, ClinGen allele CA3791016.

ClinVar aggregate classification (germline): Benign. Review status: criteria provided, single submitter (1 of 4 stars). 2 submissions from 2 submitters: Benign (1). 1 of the submissions does not count toward it. Last evaluated 2026-02-04.

Conditions:
DNAH8-related disorder. Also called: DNAH8-related condition.
Primary ciliary dyskinesia. Also called: Ciliary dyskinesia. Identifiers: Orphanet 244, MedGen C0008780, MONDO:0016575, HP:0012265.

Allele frequency attached by ClinVar (database versions not stated): ESP Exome Variant Server 0.00861; gnomAD 0.00945 and 0.01063; TOPMed 0.01096; gnomAD exomes 0.01191 and 0.01423; ExAC 0.01432; 1000 Genomes Project 30x 0.02233; 1000 Genomes Project 0.02236.

Submissions (2):

Labcorp Genetics (formerly Invitae), Labcorp
Classification: Benign for Primary ciliary dyskinesia. Last evaluated: 2026-02-04. Review status: criteria provided, single submitter. Criteria: Invitae Variant Classification Sherloc (09022015). Collection method: clinical testing. Allele origin: germline.

PreventionGenetics, part of Exact Sciences
Classification: Benign for DNAH8-related condition. Last evaluated: 2022-10-17. Review status: no assertion criteria provided. Collection method: clinical testing. Allele origin: germline. Not counted in ClinVar's aggregate classification.
Comment: This variant is classified as benign based on ACMG/AMP sequence variant interpretation guidelines (Richards et al. 2015 PMID: 25741868, with internal and published modifications).